The following is an entry in ClinVar:

NM_004168.4(SDHA):c.1367C>A (p.Ser456Ter)

Gene: SDHA (succinate dehydrogenase complex flavoprotein subunit A; plus strand). Cytogenetic location: 5p15.33.
Variant type: single nucleotide variant.
Coding change: c.1367C>A on transcript NM_004168.4 (MANE Select); coding-DNA position 1367, C replaced by A.
Protein change: p.Ser456Ter; replaces serine 456 with a stop codon.
Molecular consequence: nonsense.
Genome position (GRCh38, 1-based): chr5:236,534, C>A. VCF-style: chr5-236534-C-A. GRCh37 (hg19) VCF-style: chr5-236649-C-A.
Other names: c.1223C>A, p.Ser408Ter (NM_001294332.2); c.1367C>A, p.Ser456Ter (NM_001330758.2); short protein forms S408*, S456*.
Identifiers: ClinVar variation 3148638 (VCV003148638.1), dbSNP rs76896145, ClinGen allele CA359014013.

ClinVar aggregate classification (germline): Pathogenic (1 of 4 stars; one submission).

Conditions:
Pheochromocytoma/paraganglioma syndrome 5. Also called: Paragangliomas 5; SDHA-Related Hereditary Paraganglioma-Pheochromocytoma Syndrome. Identifiers: Orphanet 29072, MedGen C3279992, MONDO:0013602, OMIM 614165.

Submission:

Myriad Genetics, Inc.
Classification: Pathogenic for Pheochromocytoma/paraganglioma syndrome 5. Last evaluated: 2024-02-08. Review status: criteria provided, single submitter. Criteria: Myriad Autosomal Dominant, Autosomal Recessive and X-Linked Classification Criteria (2023). Collection method: clinical testing. Allele origin: unknown.
Comment: This variant is considered pathogenic. This variant creates a termination codon and is predicted to result in premature protein truncation.